The following is an entry in ClinVar:

NM_005120.3(MED12):c.3640C>T (p.Arg1214Cys)

Gene: MED12 (mediator complex subunit 12; plus strand). Cytogenetic location: Xq13.1.
Variant type: single nucleotide variant.
Coding change: c.3640C>T on transcript NM_005120.3 (MANE Select); coding-DNA position 3640, C replaced by T.
Protein change: p.Arg1214Cys; replaces arginine 1214 with cysteine.
Molecular consequence: missense variant.
Genome position (GRCh38, 1-based): chrX:71,129,378, C>T. VCF-style: chrX-71129378-C-T. GRCh37 (hg19) VCF-style: chrX-70349228-C-T.
Other names: short protein forms R1214C.
Identifiers: ClinVar variation 976133 (VCV000976133.5), dbSNP rs2092311077, ClinGen allele CA413520294.

ClinVar aggregate classification (germline): Uncertain significance. Review status: criteria provided, multiple submitters, no conflicts (2 of 4 stars). 3 submissions from 3 submitters: Uncertain significance (2). 1 of the submissions does not count toward it. Last evaluated 2023-08-23.

Conditions:
FG syndrome 1 (OKS). Also called: OPITZ-KAVEGGIA SYNDROME; KELLER SYNDROME; MENTAL RETARDATION, LARGE HEAD, IMPERFORATE ANUS, CONGENITAL HYPOTONIA, AND PARTIAL AGENESIS OF CORPUS CALLOSUM; FG Syndrome Type 1 (FGS1). Identifiers: Orphanet 93932, MedGen C5399762, MONDO:0010590, OMIM 305450.
Familial thoracic aortic aneurysm and aortic dissection (TAAD). Also called: Thoracic aortic aneurysms and dissections. Identifiers: Orphanet 91387, MedGen C4707243, MONDO:0019625.
X-linked intellectual disability with marfanoid habitus. Also called: X-linked mental retardation with marfanoid habitus syndrome; INTELLECTUAL DEVELOPMENTAL DISORDER, X-LINKED, SYNDROMIC, LUJAN-FRYNS TYPE; Lujan Syndrome (LS); Lujan Syndrome. Identifiers: Orphanet 776, MedGen C0796022, MONDO:0010655, OMIM 309520.

Submissions (3):

Ambry Genetics
Classification: Uncertain significance for Familial thoracic aortic aneurysm and aortic dissection. Last evaluated: 2023-08-23. Review status: criteria provided, single submitter. Criteria: Ambry Variant Classification Scheme 2023. Collection method: clinical testing. Allele origin: germline.
Comment: The c.3640C>T (p.R1214C) alteration is located in exon 26 (coding exon 26) of the MED12 gene. This alteration results from a C to T substitution at nucleotide position 3640, causing the arginine (R) at amino acid position 1214 to be replaced by a cysteine (C). This variant was not reported in population-based cohorts in the Genome Aggregation Database (gnomAD). This alteration was reported in two brothers with mild to moderate intellectual disability, speech and motor delay, seizure disorder, short stature, low weight, friendly personality, excessive talkativeness, long narrow face, telecanthus, and pectus carinatum (Srivastava, 2019). This amino acid position is well conserved in available vertebrate species. This missense alteration is located in a region that has a low rate of benign missense variation (Lek, 2016; Firth, 2009). This alteration is predicted to be tolerated by in silico analysis. Based on insufficient or conflicting evidence, the clinical significance of this alteration remains unclear.

Institute of Human Genetics, University of Leipzig Medical Center
Classification: Uncertain significance for X-linked intellectual disability with marfanoid habitus. Last evaluated: 2018-08-10. Review status: criteria provided, single submitter. Criteria: ACMG Guidelines, 2015. Collection method: clinical testing. Allele origin: germline. Affected: yes. Observed: 1 variant allele.

GeneReviews
No classification provided. Condition: FG syndrome. Review status: no classification provided. Collection method: literature only. Allele origin: germline. Not counted in ClinVar's aggregate classification.
Comment: Reported in male sibs with features of FG syndrome type 1 and Lujan syndrome

Literature cited by the submitters: PubMed 30729724 (cited by Ambry Genetics and GeneReviews); PubMed 20301719 (cited by GeneReviews).